The following is an entry in ClinVar:

ClinVar aggregate classification (germline): Conflicting classifications of pathogenicity. Review status: criteria provided, conflicting classifications (1 of 4 stars). 6 submissions from 5 submitters: Uncertain significance (1); Benign (1); Likely benign (3). 1 of the submissions does not count toward it. Last evaluated 2026-01-26.

Conditions:
Achromatopsia 3 (ACHM3). Also called: PINGELAPESE BLINDNESS; TOTAL COLORBLINDNESS WITH MYOPIA; ROD MONOCHROMACY 1; ROD MONOCHROMATISM 1; ACHROMATOPSIA WITH MYOPIA. Identifiers: Orphanet 49382, MedGen C1849792, MONDO:0009875, OMIM 262300.
Achromatopsia. Also called: Rod monochromatism. Identifiers: Orphanet 49382, MedGen C0152200, MONDO:0018852, HP:0011516.
Severe early-childhood-onset retinal dystrophy (STGD1). Also called: Stargardt macular dystrophy; Juvenile onset macular degeneration; Stargardt disease 1; MACULAR DYSTROPHY WITH FLECKS, TYPE 1; STGD. Identifiers: Orphanet 364055, Orphanet 827, MedGen C1855465, MeSH D000080362, MONDO:0009549, OMIM 248200.

Allele frequency attached by ClinVar (database versions not stated): gnomAD exomes 0.00031 and 0.00079; TOPMed 0.00046; 1000 Genomes Project 0.00080; gnomAD 0.00029 and 0.00038; 1000 Genomes Project 30x 0.00078; ExAC 0.00069.
gnomAD v4.1: 500 of 1,584,586 alleles (0.032%); highest among the groups gnomAD compares: East Asian, 0.97%; 2 homozygotes.

Submissions (6):

Labcorp Genetics (formerly Invitae), Labcorp
Classification: Benign. Last evaluated: 2026-01-26. Review status: criteria provided, single submitter. Criteria: Invitae Variant Classification Sherloc (09022015). Collection method: clinical testing. Allele origin: germline.

Blueprint Genetics
Classification: Likely benign. Last evaluated: 2024-11-15. Review status: criteria provided, single submitter. Criteria: ACMG Guidelines, 2015. Collection method: clinical testing. Allele origin: germline.

Illumina Laboratory Services, Illumina
Classification: Likely benign for Achromatopsia 3. Last evaluated: 2018-01-12. Review status: criteria provided, single submitter. Criteria: ICSL Variant Classification Criteria 13 December 2019. Collection method: clinical testing. Allele origin: germline.
Comment: This variant was observed in the ICSL laboratory as part of a predisposition screen in an ostensibly healthy population. It had not been previously curated by ICSL or reported in the Human Gene Mutation Database (HGMD: prior to June 1st, 2018), and was therefore a candidate for classification through an automated scoring system. Utilizing variant allele frequency, disease prevalence and penetrance estimates, and inheritance mode, an automated score was calculated to assess if this variant is too frequent to cause the disease. Based on the score and internal cut-off values, a variant classified as likely benign is not then subjected to further curation. The score for this variant resulted in a classification of likely benign for this disease.

Illumina Laboratory Services, Illumina
Classification: Uncertain significance for Severe early-childhood-onset retinal dystrophy. Last evaluated: 2018-01-12. Review status: criteria provided, single submitter. Criteria: ICSL Variant Classification Criteria 13 December 2019. Collection method: clinical testing. Allele origin: germline.

Eurofins Ntd Llc (ga)
Classification: Likely benign. Last evaluated: 2016-06-10. Review status: criteria provided, single submitter. Criteria: EGL Classification Definitions 2015. Collection method: clinical testing. Allele origin: germline. Observed: 1 variant allele, 1 heterozygote.

Natera, Inc.
Classification: Likely benign for Achromatopsia. Last evaluated: 2019-12-16. Review status: no assertion criteria provided. Collection method: clinical testing. Allele origin: germline. Not counted in ClinVar's aggregate classification.

NM_019098.5(CNGB3):c.912C>T (p.Val304=)

Gene: CNGB3 (cyclic nucleotide gated channel subunit beta 3; minus strand). Cytogenetic location: 8q21.3.
Variant type: single nucleotide variant.
Coding change: c.912C>T on transcript NM_019098.5 (MANE Select); coding-DNA position 912, C replaced by T.
Protein change: p.Val304=; no amino-acid change (valine 304 retained).
Molecular consequence: synonymous variant.
Genome position (GRCh38, 1-based): chr8:86,647,879, G>A on the plus strand (C>T on the coding strand, the complement: CNGB3 is on the minus strand). VCF-style: chr8-86647879-G-A. GRCh37 (hg19) VCF-style: chr8-87660107-G-A.
Identifiers: ClinVar variation 288734 (VCV000288734.20), dbSNP rs117806701, ClinGen allele CA4800221.